The following is an entry in ClinVar:

ClinVar aggregate classification (germline): Uncertain significance (1 of 4 stars; one submission).

gnomAD v4.1: 25 of 1,614,010 alleles (0.0015%); highest among the groups gnomAD compares: Non-Finnish European, 0.002%; no homozygotes.

Submission:

Women's Health and Genetics/Laboratory Corporation of America, LabCorp
Classification: Uncertain significance. Last evaluated: 2026-02-25. Review status: criteria provided, single submitter. Criteria: LabCorp Variant Classification Summary - May 2015. Collection method: clinical testing. Allele origin: germline.
Comment: Variant summary: HCK c.141C>G (p.His47Gln) results in a non-conservative amino acid change in the encoded protein sequence. Algorithms developed to predict the effect of missense changes on protein structure and function are either unavailable or do not agree on the potential impact of this missense change. The variant allele was found at a frequency of 1.2e-05 in 251302 control chromosomes. The available data on variant occurrences in the general population are insufficient to allow any conclusion about variant significance. To our knowledge, no occurrence of c.141C>G in individuals affected with HCK-related conditions and no experimental evidence demonstrating its impact on protein function have been reported. No submitters have cited clinical-significance assessments for this variant to ClinVar. Based on the evidence outlined above, the variant was classified as uncertain significance.

NM_002110.5(HCK):c.141C>G (p.His47Gln)

Gene: HCK (HCK proto-oncogene, Src family tyrosine kinase; plus strand). Cytogenetic location: 20q11.21.
Variant type: single nucleotide variant.
Coding change: c.141C>G on transcript NM_002110.5 (MANE Select); coding-DNA position 141, C replaced by G.
Protein change: p.His47Gln; replaces histidine 47 with glutamine.
Molecular consequence: missense variant.
Genome position (GRCh38, 1-based): chr20:32,071,740, C>G. VCF-style: chr20-32071740-C-G. GRCh37 (hg19) VCF-style: chr20-30659543-C-G.
Other names: c.78C>G, p.His26Gln (NM_001172129.3, NM_001172131.3, NM_001172133.3); c.141C>G, p.His47Gln (NM_001172130.3); c.81C>G, p.His27Gln (NM_001172132.3); short protein forms H26Q, H27Q, H47Q.
Identifiers: ClinVar variation 4848019 (VCV004848019.1).